The following is an entry in ClinVar:

ClinVar aggregate classification (germline): Uncertain significance (1 of 4 stars; one submission).

Conditions:
L-2-hydroxyglutaric aciduria (L2HGA). Identifiers: Orphanet 79314, MedGen C1855995, MONDO:0009370, OMIM 236792, HP:0040144.

gnomAD v4.1: 2 of 1,613,936 alleles (0.00012%); highest among the groups gnomAD compares: African/African-American, 0.0013%; no homozygotes.

Submission:

Labcorp Genetics (formerly Invitae), Labcorp
Classification: Uncertain significance for L-2-hydroxyglutaric aciduria. Last evaluated: 2024-02-25. Review status: criteria provided, single submitter. Criteria: Invitae Variant Classification Sherloc (09022015). Collection method: clinical testing. Allele origin: germline.
Comment: This sequence change replaces alanine, which is neutral and non-polar, with valine, which is neutral and non-polar, at codon 64 of the L2HGDH protein (p.Ala64Val). This variant is not present in population databases (gnomAD no frequency). This variant has not been reported in the literature in individuals affected with L2HGDH-related conditions. Advanced modeling of protein sequence and biophysical properties (such as structural, functional, and spatial information, amino acid conservation, physicochemical variation, residue mobility, and thermodynamic stability) has been performed at Invitae for this missense variant, however the output from this modeling did not meet the statistical confidence thresholds required to predict the impact of this variant on L2HGDH protein function. In summary, the available evidence is currently insufficient to determine the role of this variant in disease. Therefore, it has been classified as a Variant of Uncertain Significance.

NM_024884.3(L2HGDH):c.191C>T (p.Ala64Val)

Gene: L2HGDH (L-2-hydroxyglutarate dehydrogenase; minus strand). Cytogenetic location: 14q21.3.
Variant type: single nucleotide variant.
Coding change: c.191C>T on transcript NM_024884.3 (MANE Select); coding-DNA position 191, C replaced by T.
Protein change: p.Ala64Val; replaces alanine 64 with valine.
Molecular consequence: missense variant. On other transcripts: 5 prime UTR variant (4).
Genome position (GRCh38, 1-based): chr14:50,302,967, G>A on the plus strand (C>T on the coding strand, the complement: L2HGDH is on the minus strand). VCF-style: chr14-50302967-G-A. GRCh37 (hg19) VCF-style: chr14-50769685-G-A.
Other names: c.191C>T, p.Ala64Val (NM_001425212.1); c.80C>T, p.Ala27Val (NM_001425213.1, NM_001425214.1); c.-435C>T (NM_001425215.1, NM_001425218.1); c.-356C>T (NM_001425216.1); c.-513C>T (NM_001425217.1); short protein forms A27V, A64V.
Identifiers: ClinVar variation 3605673 (VCV003605673.2).